The following is an entry in ClinVar:

NM_004612.4(TGFBR1):c.1224C>G (p.Phe408Leu)

Gene: TGFBR1 (transforming growth factor beta receptor 1; plus strand). Cytogenetic location: 9q22.33.
Variant type: single nucleotide variant.
Coding change: c.1224C>G on transcript NM_004612.4 (MANE Select); coding-DNA position 1224, C replaced by G.
Protein change: p.Phe408Leu; replaces phenylalanine 408 with leucine.
Molecular consequence: missense variant. On other transcripts: non-coding transcript variant (1).
Genome position (GRCh38, 1-based): chr9:99,146,578, C>G. VCF-style: chr9-99146578-C-G. GRCh37 (hg19) VCF-style: chr9-101908860-C-G.
Other names: c.993C>G, p.Phe331Leu (NM_001130916.3, NM_001407435.1); c.1236C>G, p.Phe412Leu (NM_001306210.2); c.1068C>G, p.Phe356Leu (NM_001407416.1); c.1056C>G, p.Phe352Leu (NM_001407417.1); c.1029C>G, p.Phe343Leu (NM_001407418.1, NM_001407419.1, NM_001407420.1 and 1 more transcripts); c.1017C>G, p.Phe339Leu (NM_001407423.1, NM_001407424.1, NM_001407425.1 and 8 more transcripts); c.978C>G, p.Phe326Leu (NM_001407436.1); c.516C>G, p.Phe172Leu (NM_001407437.1); and 1 more; short protein forms F172L, F249L, F326L, F331L, F339L, F343L, F352L, F356L.
Identifiers: ClinVar variation 3072734 (VCV003072734.1), dbSNP rs2490251231, ClinGen allele CA374233070.

ClinVar aggregate classification (germline): Uncertain significance (1 of 4 stars; one submission).

Conditions:
Loeys-Dietz syndrome (LDS). Identifiers: Orphanet 60030, MedGen C2697932, MONDO:0018954.

Submission:

All of Us Research Program, National Institutes of Health
Classification: Uncertain significance for Loeys-Dietz syndrome. Last evaluated: 2023-08-15. Review status: criteria provided, single submitter. Criteria: ACMG Guidelines, 2015. Collection method: clinical testing. Allele origin: germline. Inheritance: Autosomal dominant inheritance. Observed: 1 variant allele, 1 heterozygote.
Comment: This missense variant replaces phenylalanine with leucine at codon 408 of the TGFBR1 protein. Computational prediction suggests that this variant may not impact protein structure and function (internally defined REVEL score threshold <= 0.5, PMID: 27666373). To our knowledge, functional studies have not been reported for this variant. This variant has not been reported in individuals affected with TGFBR1-related disorders in the literature. This variant has not been identified in the general population by the Genome Aggregation Database (gnomAD). The available evidence is insufficient to determine the role of this variant in disease conclusively. Therefore, this variant is classified as a Variant of Uncertain Significance.

This study involves interpretation of variants in research participants for the purpose of population health screening. Participant phenotype was not available at the time of variant classification. Additional details can be found in publication PMID: 35346344, PMCID: PMC8962531